The following is an entry in ClinVar:

NM_001164508.2(NEB):c.6076-2A>G

Gene: NEB (nebulin; minus strand). Cytogenetic location: 2q23.3.
Variant type: single nucleotide variant.
Coding change: c.6076-2A>G on transcript NM_001164508.2 (MANE Select); the canonical splice acceptor site of the intron before coding-DNA position 6076, A replaced by G.
Molecular consequence: splice acceptor variant.
Genome position (GRCh38, 1-based): chr2:151,658,092, T>C on the plus strand (A>G on the coding strand, the complement: NEB is on the minus strand). VCF-style: chr2-151658092-T-C. GRCh37 (hg19) VCF-style: chr2-152514606-T-C.
Other names: c.6076-2A>G (NM_004543.5, NM_001164507.2, NM_001271208.2).
Identifiers: ClinVar variation 565328 (VCV000565328.7), dbSNP rs1553469514, ClinGen allele CA348802587.

ClinVar aggregate classification (germline): Pathogenic (1 of 4 stars; one submission).

Conditions:
Nemaline myopathy 2 (NEM2). Also called: Nemaline myopathy 2, autosomal recessive. Identifiers: MedGen C1850569, MONDO:0009725, OMIM 256030.

Allele frequency attached by ClinVar (database versions not stated): TOPMed below 0.00001.

Submission:

Labcorp Genetics (formerly Invitae), Labcorp
Classification: Pathogenic for Nemaline myopathy 2. Last evaluated: 2022-10-28. Review status: criteria provided, single submitter. Criteria: Invitae Variant Classification Sherloc (09022015). Collection method: clinical testing. Allele origin: germline.
Comment: Disruption of this splice site has been observed in individual(s) with clinical features of NEB-related conditions (Invitae). In at least one individual the data is consistent with being in trans (on the opposite chromosome) from a pathogenic variant. This sequence change affects an acceptor splice site in intron 47 of the NEB gene. It is expected to disrupt RNA splicing. Variants that disrupt the donor or acceptor splice site typically lead to a loss of protein function (PMID: 16199547), and loss-of-function variants in NEB are known to be pathogenic (PMID: 25205138). This variant is not present in population databases (gnomAD no frequency). For these reasons, this variant has been classified as Pathogenic. Algorithms developed to predict the effect of sequence changes on RNA splicing suggest that this variant may disrupt the consensus splice site. ClinVar contains an entry for this variant (Variation ID: 565328).

Literature cited by the submitters: PubMed 16199547; PubMed 25205138.